The following is an entry in ClinVar:

ClinVar aggregate classification (germline): Uncertain significance. Review status: criteria provided, multiple submitters, no conflicts (2 of 4 stars). 2 submissions from 2 submitters: Uncertain significance (2). Last evaluated 2025-02-18.

Conditions:
Hereditary cancer-predisposing syndrome. Also called: Tumor predisposition; Hereditary neoplastic syndrome; Hereditary Cancer Syndrome; Neoplastic Syndromes, Hereditary. Identifiers: Orphanet 140162, MedGen C0027672, MeSH D009386, MONDO:0015356.
Bloom syndrome (BLM). Also called: Bloom-Torre-Machacek syndrome. Identifiers: Orphanet 125, MedGen C0005859, MONDO:0008876, OMIM 210900.

gnomAD v4.1: 2 of 1,614,136 alleles (0.00012%); no homozygotes.

Submissions (2):

Labcorp Genetics (formerly Invitae), Labcorp
Classification: Uncertain significance for Bloom syndrome. Last evaluated: 2025-02-18. Review status: criteria provided, single submitter. Criteria: Invitae Variant Classification Sherloc (09022015). Collection method: clinical testing. Allele origin: germline.
Comment: This sequence change replaces threonine, which is neutral and polar, with isoleucine, which is neutral and non-polar, at codon 122 of the BLM protein (p.Thr122Ile). This variant is not present in population databases (gnomAD no frequency). This variant has not been reported in the literature in individuals affected with BLM-related conditions. ClinVar contains an entry for this variant (Variation ID: 3224560). An algorithm developed to predict the effect of missense changes on protein structure and function (PolyPhen-2) suggests that this variant is likely to be tolerated. In summary, the available evidence is currently insufficient to determine the role of this variant in disease. Therefore, it has been classified as a Variant of Uncertain Significance.

Ambry Genetics
Classification: Uncertain significance for Hereditary cancer-predisposing syndrome. Last evaluated: 2023-09-22. Review status: criteria provided, single submitter. Criteria: Ambry Variant Classification Scheme 2023. Collection method: clinical testing. Allele origin: germline.
Comment: The p.T122I variant (also known as c.365C>T), located in coding exon 2 of the BLM gene, results from a C to T substitution at nucleotide position 365. The threonine at codon 122 is replaced by isoleucine, an amino acid with similar properties. This amino acid position is conserved. In addition, this alteration is predicted to be tolerated by in silico analysis. Since supporting evidence is limited at this time, the clinical significance of this alteration remains unclear.

NM_000057.4(BLM):c.365C>T (p.Thr122Ile)

Gene: BLM (BLM RecQ like helicase; plus strand). Cytogenetic location: 15q26.1.
Variant type: single nucleotide variant.
Coding change: c.365C>T on transcript NM_000057.4 (MANE Select); coding-DNA position 365, C replaced by T.
Protein change: p.Thr122Ile; replaces threonine 122 with isoleucine.
Molecular consequence: missense variant. On other transcripts: 5 prime UTR variant (1).
Genome position (GRCh38, 1-based): chr15:90,749,633, C>T. VCF-style: chr15-90749633-C-T. GRCh37 (hg19) VCF-style: chr15-91292863-C-T.
Other names: c.365C>T, p.Thr122Ile (NM_001287246.2, NM_001287247.2); c.-927C>T (NM_001287248.2); short protein forms T122I.
Identifiers: ClinVar variation 3224560 (VCV003224560.2), dbSNP rs1895612199, ClinGen allele CA393840397.